The following is an entry in ClinVar:

ClinVar aggregate classification (germline): Uncertain significance (1 of 4 stars; one submission).

Conditions:
Multiple mitochondrial dysfunctions syndrome 3 (MMDS3). Identifiers: Orphanet 363424, MedGen C3809165, MONDO:0014132, OMIM 615330.

gnomAD v4.1: 2 of 1,552,518 alleles (0.00013%); highest among the groups gnomAD compares: South Asian, 0.0012%; no homozygotes.

Submission:

3billion
Classification: Uncertain significance for Multiple mitochondrial dysfunctions syndrome 3. Last evaluated: 2025-06-11. Review status: criteria provided, single submitter. Criteria: ACMG Guidelines, 2015. Collection method: clinical testing. Allele origin: germline. Affected: yes.
Comment: The variant is observed at an extremely low frequency in the gnomAD v4.1.0 dataset (total allele frequency: <0.001%). Predicted Consequence/Location: Missense variant In silico tool predictions suggest damaging effect of the variant on gene or gene product [REVEL: 0.74 (>=0.6, sensitivity 0.68 and specificity 0.92)]. Different missense changes at the same codon have been reported as of uncertain significance (ClinVar ID: VCV002171676; 3billion dataset). Therefore, this variant is classified as VUS according to the recommendation of ACMG/AMP guideline.

NM_001010867.4(IBA57):c.667C>G (p.Arg223Gly)

Gene: IBA57 (iron-sulfur cluster assembly factor IBA57; plus strand). Cytogenetic location: 1q42.13.
Variant type: single nucleotide variant.
Coding change: c.667C>G on transcript NM_001010867.4 (MANE Select); coding-DNA position 667, C replaced by G.
Protein change: p.Arg223Gly; replaces arginine 223 with glycine.
Molecular consequence: missense variant.
Genome position (GRCh38, 1-based): chr1:228,175,017, C>G. VCF-style: chr1-228175017-C-G. GRCh37 (hg19) VCF-style: chr1-228362718-C-G.
Other names: c.88C>G, p.Arg30Gly (NM_001310327.2); short protein forms R223G, R30G.
Identifiers: ClinVar variation 4293630 (VCV004293630.2).